The following is an entry in ClinVar:

NM_016579.4(CD320):c.5G>T (p.Ser2Ile)

Gene: CD320 (CD320 molecule; minus strand). Cytogenetic location: 19p13.2.
Variant type: single nucleotide variant.
Coding change: c.5G>T on transcript NM_016579.4 (MANE Select); coding-DNA position 5, G replaced by T.
Protein change: p.Ser2Ile; replaces serine 2 with isoleucine.
Molecular consequence: missense variant.
Genome position (GRCh38, 1-based): chr19:8,308,286, C>A on the plus strand (G>T on the coding strand, the complement: CD320 is on the minus strand). VCF-style: chr19-8308286-C-A. GRCh37 (hg19) VCF-style: chr19-8373170-C-A.
Other names: c.5G>T, p.Ser2Ile (NM_001165895.2); short protein forms S2I.
Identifiers: ClinVar variation 3625615 (VCV003625615.2).
Genomic context (GRCh38, chr19:8,308,286, plus strand): 5'-AGCAGCGCCAGGCCCAGAGCCCCTGTTCGCCACGCTCCAACCTGCGCCATCCAACCGCCG[C>A]TCATGCTGTCCCCACAGCGGCGCCGGCCACGCGCTGTCCAGACCGCTCTCTTATCCCTGC-3'
Protein context (NP_057663.1, residues 1-12): M[Ser2Ile]GGWMAQVGAW

ClinVar aggregate classification (germline): Uncertain significance (1 of 4 stars; one submission).

Conditions:
Methylmalonic acidemia due to transcobalamin receptor defect (MATR). Also called: METHYLMALONIC ACIDEMIA, TCblR TYPE; METHYLMALONIC ACIDURIA, TRANSIENT, DUE TO TRANSCOBALAMIN RECEPTOR DEFECT. Identifiers: Orphanet 280183, MedGen C4749905, MONDO:0013341, OMIM 613646.

gnomAD v4.1: 3 of 1,587,670 alleles (0.00019%); highest among the groups gnomAD compares: Non-Finnish European, 0.00026%; no homozygotes.

Submission:

Labcorp Genetics (formerly Invitae), Labcorp
Classification: Uncertain significance for Methylmalonic acidemia due to transcobalamin receptor defect. Last evaluated: 2024-10-28. Review status: criteria provided, single submitter. Criteria: Invitae Variant Classification Sherloc (09022015). Collection method: clinical testing. Allele origin: germline.
Comment: This sequence change replaces serine, which is neutral and polar, with isoleucine, which is neutral and non-polar, at codon 2 of the CD320 protein (p.Ser2Ile). This variant is not present in population databases (gnomAD no frequency). This variant has not been reported in the literature in individuals affected with CD320-related conditions. An algorithm developed to predict the effect of missense changes on protein structure and function (PolyPhen-2) suggests that this variant is likely to be tolerated. In summary, the available evidence is currently insufficient to determine the role of this variant in disease. Therefore, it has been classified as a Variant of Uncertain Significance.